The following is an entry in ClinVar:

ClinVar aggregate classification (germline): Uncertain significance (1 of 4 stars; one submission).

Submission:

Labcorp Genetics (formerly Invitae), Labcorp
Classification: Uncertain significance. Last evaluated: 2024-02-15. Review status: criteria provided, single submitter. Criteria: Invitae Variant Classification Sherloc (09022015). Collection method: clinical testing. Allele origin: germline.
Comment: This sequence change replaces aspartic acid, which is acidic and polar, with glycine, which is neutral and non-polar, at codon 912 of the SLC12A6 protein (p.Asp912Gly). This variant is not present in population databases (gnomAD no frequency). This variant has not been reported in the literature in individuals affected with SLC12A6-related conditions. Advanced modeling of protein sequence and biophysical properties (such as structural, functional, and spatial information, amino acid conservation, physicochemical variation, residue mobility, and thermodynamic stability) performed at Invitae indicates that this missense variant is expected to disrupt SLC12A6 protein function with a positive predictive value of 80%. In summary, the available evidence is currently insufficient to determine the role of this variant in disease. Therefore, it has been classified as a Variant of Uncertain Significance.

NM_001365088.1(SLC12A6):c.2735A>G (p.Asp912Gly)

Gene: SLC12A6 (solute carrier family 12 member 6; minus strand). Cytogenetic location: 15q14.
Variant type: single nucleotide variant.
Coding change: c.2735A>G on transcript NM_001365088.1 (MANE Select); coding-DNA position 2735, A replaced by G.
Protein change: p.Asp912Gly; replaces aspartic acid 912 with glycine.
Molecular consequence: missense variant.
Genome position (GRCh38, 1-based): chr15:34,238,299, T>C on the plus strand (A>G on the coding strand, the complement: SLC12A6 is on the minus strand). VCF-style: chr15-34238299-T-C. GRCh37 (hg19) VCF-style: chr15-34530500-T-C.
Other names: c.2558A>G, p.Asp853Gly (NM_001042494.2, NM_001042495.2); c.2708A>G, p.Asp903Gly (NM_001042496.2); c.2690A>G, p.Asp897Gly (NM_001042497.2); c.2582A>G, p.Asp861Gly (NM_005135.2); c.2735A>G, p.Asp912Gly (NM_133647.2); short protein forms D853G, D861G, D897G, D903G, D912G.
Identifiers: ClinVar variation 3641063 (VCV003641063.2).
Genomic context (GRCh38, chr15:34,238,299, plus strand): 5'-TGTTTCAGTAGGAATGGTAGTAGCATAAGCATCCCCCCATCATGCACAATCCACCACACA[T>C]CAATGTTGCCCTCAGAAAATTGCTCCACATTGCTGGGAAAGAAGGAGATGTTTTTAGCCA-3'
Protein context (NP_001352017.1, residues 902-922): NVEQFSEGNI[Asp912Gly]VWWIVHDGGM